The following is an entry in ClinVar:

ClinVar aggregate classification (germline): Uncertain significance (1 of 4 stars; one submission).

gnomAD v4.1: 6 of 1,612,642 alleles (0.00037%); highest among the groups gnomAD compares: Admixed American, 0.0017%; no homozygotes.

Submission:

Labcorp Genetics (formerly Invitae), Labcorp
Classification: Uncertain significance. Last evaluated: 2022-06-22. Review status: criteria provided, single submitter. Criteria: Invitae Variant Classification Sherloc (09022015). Collection method: clinical testing. Allele origin: germline.
Comment: In summary, the available evidence is currently insufficient to determine the role of this variant in disease. Therefore, it has been classified as a Variant of Uncertain Significance. Algorithms developed to predict the effect of missense changes on protein structure and function (SIFT, PolyPhen-2, Align-GVGD) all suggest that this variant is likely to be tolerated. This variant has not been reported in the literature in individuals affected with HMCN1-related conditions. This variant is present in population databases (no rsID available, gnomAD 0.0009%). This sequence change replaces arginine, which is basic and polar, with leucine, which is neutral and non-polar, at codon 261 of the HMCN1 protein (p.Arg261Leu).

NM_031935.3(HMCN1):c.782G>T (p.Arg261Leu)

Gene: HMCN1 (hemicentin 1; plus strand). Cytogenetic location: 1q31.1.
Variant type: single nucleotide variant.
Coding change: c.782G>T on transcript NM_031935.3 (MANE Select); coding-DNA position 782, G replaced by T.
Protein change: p.Arg261Leu; replaces arginine 261 with leucine.
Molecular consequence: missense variant.
Genome position (GRCh38, 1-based): chr1:185,909,497, G>T. VCF-style: chr1-185909497-G-T. GRCh37 (hg19) VCF-style: chr1-185878629-G-T.
Other names: short protein forms R261L.
Identifiers: ClinVar variation 1983997 (VCV001983997.4), dbSNP rs753817944, ClinGen allele CA343884069.
Genomic context (GRCh38, chr1:185,909,497, plus strand): 5'-ATCCCAGCCTGAAAGAGGTCACTGTGTCTTTGAGTGGGCCTTCTCCAATGATTGAAATTC[G>T]CAATCCTTTAGGTGAGATATATCAAACATCACATAATAAAATACAAAATACATAGAGGGT-3'
Protein context (NP_114141.2, residues 251-271): LSGPSPMIEI[Arg261Leu]NPLGKLIKKG